The following is an entry in ClinVar:

NM_002693.3(POLG):c.1170+4T>G

Gene: POLG (DNA polymerase gamma, catalytic subunit; minus strand). Cytogenetic location: 15q26.1.
Variant type: single nucleotide variant.
Coding change: c.1170+4T>G on transcript NM_002693.3 (MANE Select); 4 bases into the intron after coding-DNA position 1170, T replaced by G.
Molecular consequence: intron variant.
Genome position (GRCh38, 1-based): chr15:89,328,681, A>C on the plus strand (T>G on the coding strand, the complement: POLG is on the minus strand). VCF-style: chr15-89328681-A-C. GRCh37 (hg19) VCF-style: chr15-89871912-A-C.
Other names: c.1170+4T>G (NM_001126131.2).
Identifiers: ClinVar variation 3675178 (VCV003675178.2).

ClinVar aggregate classification (germline): Uncertain significance (1 of 4 stars; one submission).

Conditions:
Progressive sclerosing poliodystrophy (MTDPS4A). Also called: ALPERS PROGRESSIVE INFANTILE POLIODYSTROPHY; NEURONAL DEGENERATION OF CHILDHOOD WITH LIVER DISEASE, PROGRESSIVE; Alpers Syndrome; ALPERS DIFFUSE DEGENERATION OF CEREBRAL GRAY MATTER WITH HEPATIC CIRRHOSIS; Alpers-Huttenlocher Syndrome; Mitochondrial DNA depletion syndrome 4A (Alpers type). Identifiers: Orphanet 726, MedGen C0205710, MONDO:0008758, OMIM 203700.

Submission:

Labcorp Genetics (formerly Invitae), Labcorp
Classification: Uncertain significance for Progressive sclerosing poliodystrophy. Last evaluated: 2024-09-29. Review status: criteria provided, single submitter. Criteria: Invitae Variant Classification Sherloc (09022015). Collection method: clinical testing. Allele origin: germline.
Comment: This sequence change falls in intron 5 of the POLG gene. It does not directly change the encoded amino acid sequence of the POLG protein. It affects a nucleotide within the consensus splice site. This variant is not present in population databases (gnomAD no frequency). This variant has not been reported in the literature in individuals affected with POLG-related conditions. Variants that disrupt the consensus splice site are a relatively common cause of aberrant splicing (PMID: 17576681, 9536098). Algorithms developed to predict the effect of sequence changes on RNA splicing suggest that this variant is not likely to affect RNA splicing. In summary, the available evidence is currently insufficient to determine the role of this variant in disease. Therefore, it has been classified as a Variant of Uncertain Significance.

Literature cited by the submitters: PubMed 17576681; PubMed 9536098.